The following is an entry in ClinVar:

NM_002834.5(PTPN11):c.1646T>C (p.Leu549Pro)

Gene: PTPN11 (protein tyrosine phosphatase non-receptor type 11; plus strand). Cytogenetic location: 12q24.13.
Variant type: single nucleotide variant.
Coding change: c.1646T>C on transcript NM_002834.5 (MANE Select); coding-DNA position 1646, T replaced by C.
Protein change: p.Leu549Pro; replaces leucine 549 with proline.
Molecular consequence: missense variant.
Genome position (GRCh38, 1-based): chr12:112,502,190, T>C. VCF-style: chr12-112502190-T-C. GRCh37 (hg19) VCF-style: chr12-112939994-T-C.
Other names: c.1658T>C, p.Leu553Pro (NM_001330437.2); c.1643T>C, p.Leu548Pro (NM_001374625.1); short protein forms L548P, L549P, L553P.
Identifiers: ClinVar variation 3940412 (VCV003940412.1).

ClinVar aggregate classification (germline): Uncertain significance (1 of 4 stars; one submission).

Conditions:
Cardiovascular phenotype. Identifiers: MedGen CN230736.

Submission:

Ambry Genetics
Classification: Uncertain significance for Cardiovascular phenotype. Last evaluated: 2025-04-28. Review status: criteria provided, single submitter. Criteria: Ambry Variant Classification Scheme 2023. Collection method: clinical testing. Allele origin: germline.
Comment: The p.L549P variant (also known as c.1646T>C), located in coding exon 14 of the PTPN11 gene, results from a T to C substitution at nucleotide position 1646. The leucine at codon 549 is replaced by proline, an amino acid with similar properties. This amino acid position is conserved. In addition, this alteration is predicted to be tolerated by in silico analysis. Based on the available evidence, the clinical significance of this variant remains unclear.